The following is an entry in ClinVar:

ClinVar aggregate classification (germline): Uncertain significance (1 of 4 stars; one submission).

Allele frequency attached by ClinVar (database versions not stated): ExAC 0.00001; gnomAD exomes 0.00001; ESP Exome Variant Server 0.00008.
gnomAD v4.1: 17 of 1,478,876 alleles (0.0011%); highest among the groups gnomAD compares: Non-Finnish European, 0.0015%; no homozygotes.

Submission:

Labcorp Genetics (formerly Invitae), Labcorp
Classification: Uncertain significance. Last evaluated: 2024-06-10. Review status: criteria provided, single submitter. Criteria: Invitae Variant Classification Sherloc (09022015). Collection method: clinical testing. Allele origin: germline.
Comment: This sequence change affects a donor splice site in intron 7 of the POLR3F gene. It is expected to disrupt RNA splicing. Variants that disrupt the donor or acceptor splice site typically lead to a loss of protein function (PMID: 16199547), however the current clinical and genetic evidence is not sufficient to establish whether loss-of-function variants in POLR3F cause disease. This variant is present in population databases (rs146235895, gnomAD 0.0009%). This variant has not been reported in the literature in individuals affected with POLR3F-related conditions. Algorithms developed to predict the effect of sequence changes on RNA splicing suggest that this variant may disrupt the consensus splice site. In summary, the available evidence is currently insufficient to determine the role of this variant in disease. Therefore, it has been classified as a Variant of Uncertain Significance.

Literature cited by the submitters: PubMed 16199547.

NM_006466.4(POLR3F):c.681+2T>C

Gene: POLR3F (RNA polymerase III subunit F; plus strand). Cytogenetic location: 20p11.23.
Variant type: single nucleotide variant.
Coding change: c.681+2T>C on transcript NM_006466.4 (MANE Select); the canonical splice donor site of the intron after coding-DNA position 681, T replaced by C.
Molecular consequence: splice donor variant.
Genome position (GRCh38, 1-based): chr20:18,480,511, T>C. VCF-style: chr20-18480511-T-C. GRCh37 (hg19) VCF-style: chr20-18461155-T-C.
Other names: c.558+2T>C (NM_001282526.2); c.537+2T>C (NM_001410821.1).
Identifiers: ClinVar variation 2786970 (VCV002786970.3), dbSNP rs146235895, ClinGen allele CA9777580.
Genomic context (GRCh38, chr20:18,480,511, plus strand): 5'-GTTCATTTGCCTCATCACATGAAGTGTGGAAATATATCTGCGAATTGGGAATCAGTAAGG[T>C]CAGAACTGAATTTCATCTTATTTTTTAAAACTTATTCTTTGTCACATACAATGTATTCCA-3'